The following is an entry in ClinVar:

NM_001987.5(ETV6):c.354G>T (p.Gln118His)

Gene: ETV6 (ETS variant transcription factor 6; plus strand). Cytogenetic location: 12p13.2.
Variant type: single nucleotide variant.
Coding change: c.354G>T on transcript NM_001987.5 (MANE Select); coding-DNA position 354, G replaced by T.
Protein change: p.Gln118His; replaces glutamine 118 with histidine.
Molecular consequence: missense variant.
Genome position (GRCh38, 1-based): chr12:11,853,452, G>T. VCF-style: chr12-11853452-G-T. GRCh37 (hg19) VCF-style: chr12-12006386-G-T.
Other names: short protein forms Q118H.
Identifiers: ClinVar variation 1338068 (VCV001338068.4), dbSNP rs2136490850, ClinGen allele CA384043017.

ClinVar aggregate classification (germline): Uncertain significance (1 of 4 stars; one submission).

Allele frequency attached by ClinVar (database versions not stated): gnomAD exomes below 0.00001.
gnomAD v4.1: 1 of 1,614,164 alleles (0.000062%); highest among the groups gnomAD compares: Non-Finnish European, 0.000085%; no homozygotes.

Submission:

Genetic Services Laboratory, University of Chicago
Classification: Uncertain significance. Last evaluated: 2021-09-16. Review status: criteria provided, single submitter. Criteria: ACMG Guidelines, 2015. Collection method: clinical testing. Allele origin: germline. Affected: no.
Comment: DNA sequence analysis of the ETV6 gene demonstrated a sequence change, c.354G>T, in exon 4 that results in an amino acid change, p.Gln118His. This sequence change does not appear to have been previously described in patients with ETV6-related disorders and has also not been described in the population databases such as ExAC and gnomAD. The p.Gln118His change affects a highly conserved amino acid residue located in a domain of the ETV6 protein that is known to be functional. The p.Gln118His substitution appears to be deleterious using several in-silico pathogenicity prediction tools (SIFT, PolyPhen2, Align GVGD, REVEL). Due to this insufficient evidence and the lack of functional studies, the clinical significance of the p. Gln118His change remains unknown at this time.